The following is an entry in ClinVar:

ClinVar aggregate classification (germline): Conflicting classifications of pathogenicity. Review status: criteria provided, conflicting classifications (1 of 4 stars). 3 submissions from 3 submitters: Uncertain significance (1); Likely benign (1). 1 of the submissions does not count toward it. Last evaluated 2025-05-13.

Conditions:
Congenital microvillous atrophy (DIAR2). Also called: DAVIDSON DISEASE; MICROVILLUS ATROPHY, CONGENITAL; Microvillus inclusion disease; Diarrhea 2 with microvillus atrophy, with or without cholestasis; CONGENITAL FAMILIAL PROTRACTED DIARRHEA WITH ENTEROCYTE BRUSH-BORDER ABNORMALITIES. Identifiers: Orphanet 2290, MedGen C0341306, MONDO:0009635, OMIM 251850.
MYO5B-related disorder. Also called: MYO5B-related condition.

Allele frequency attached by ClinVar (database versions not stated): ExAC 0.00001; gnomAD 0.00001; gnomAD exomes 0.00001 and 0.00002; TOPMed 0.00001.
gnomAD v4.1: 27 of 1,614,058 alleles (0.0017%); highest among the groups gnomAD compares: Non-Finnish European, 0.0023%; no homozygotes.

Submissions (3):

Labcorp Genetics (formerly Invitae), Labcorp
Classification: Likely benign. Last evaluated: 2025-05-13. Review status: criteria provided, single submitter. Criteria: Invitae Variant Classification Sherloc (09022015). Collection method: clinical testing. Allele origin: germline.

Illumina Laboratory Services, Illumina
Classification: Uncertain significance for Congenital microvillous atrophy. Last evaluated: 2018-01-13. Review status: criteria provided, single submitter. Criteria: ICSL Variant Classification Criteria 13 December 2019. Collection method: clinical testing. Allele origin: germline.

PreventionGenetics, part of Exact Sciences
Classification: Likely benign for MYO5B-related condition. Last evaluated: 2024-02-13. Review status: no assertion criteria provided. Collection method: clinical testing. Allele origin: germline. Not counted in ClinVar's aggregate classification.
Comment: This variant is classified as likely benign based on ACMG/AMP sequence variant interpretation guidelines (Richards et al. 2015 PMID: 25741868, with internal and published modifications).

NM_001080467.3(MYO5B):c.1287G>A (p.Lys429=)

Gene: MYO5B (myosin VB; minus strand). Cytogenetic location: 18q21.1.
Variant type: single nucleotide variant.
Coding change: c.1287G>A on transcript NM_001080467.3 (MANE Select); coding-DNA position 1287, G replaced by A.
Protein change: p.Lys429=; no amino-acid change (lysine 429 retained).
Molecular consequence: synonymous variant.
Genome position (GRCh38, 1-based): chr18:49,974,385, C>T on the plus strand (G>A on the coding strand, the complement: MYO5B is on the minus strand). VCF-style: chr18-49974385-C-T. GRCh37 (hg19) VCF-style: chr18-47500755-C-T.
Identifiers: ClinVar variation 327067 (VCV000327067.9), dbSNP rs776027486, ClinGen allele CA8961592.